The following is an entry in ClinVar:

NM_004260.4(RECQL4):c.2235C>A (p.His745Gln)

Gene: RECQL4 (RecQ like helicase 4; minus strand). Cytogenetic location: 8q24.3.
Variant type: single nucleotide variant.
Coding change: c.2235C>A on transcript NM_004260.4 (MANE Select); coding-DNA position 2235, C replaced by A.
Protein change: p.His745Gln; replaces histidine 745 with glutamine.
Molecular consequence: missense variant. On other transcripts: non-coding transcript variant (3).
Genome position (GRCh38, 1-based): chr8:144,513,446, G>T on the plus strand (C>A on the coding strand, the complement: RECQL4 is on the minus strand). VCF-style: chr8-144513446-G-T. GRCh37 (hg19) VCF-style: chr8-145738830-G-T.
Other names: c.2139C>A, p.His713Gln (NM_001413017.1, NM_001413020.1); c.2235C>A, p.His745Gln (NM_001413018.1, NM_001413019.1, NM_001413036.1); c.1164C>A, p.His388Gln (NM_001413021.1, NM_001413022.1, NM_001413023.1 and 6 more transcripts); c.2106C>A, p.His702Gln (NM_001413025.1); c.1098C>A, p.His366Gln (NM_001413027.1, NM_001413030.1, NM_001413032.1 and 1 more transcripts); c.1884C>A, p.His628Gln (NM_001413029.1); c.966C>A, p.His322Gln (NM_001413031.1); c.2103C>A, p.His701Gln (NM_001413033.1); and 5 more; short protein forms H701Q, H702Q, H713Q, H745Q, H344Q, H378Q, H628Q, H256Q.
Identifiers: ClinVar variation 2709313 (VCV002709313.4), dbSNP rs372501393, ClinGen allele CA372678510.

ClinVar aggregate classification (germline): Uncertain significance. Review status: criteria provided, multiple submitters, no conflicts (2 of 4 stars). 2 submissions from 2 submitters: Uncertain significance (2). Last evaluated 2026-08-13.

Conditions:
Baller-Gerold syndrome (BGS). Also called: CRANIOSYNOSTOSIS WITH RADIAL DEFECTS. Identifiers: Orphanet 1225, MedGen C0265308, MONDO:0009039, OMIM 218600.
Inborn genetic diseases. Identifiers: MedGen C0950123, MeSH D030342.

gnomAD v4.1: 2 of 1,609,836 alleles (0.00012%); no homozygotes.

Submissions (2):

Ambry Genetics
Classification: Uncertain significance for Inborn genetic diseases. Last evaluated: 2026-08-13. Review status: criteria provided, single submitter. Criteria: Ambry Variant Classification Scheme 2023. Collection method: clinical testing. Allele origin: germline.
Comment: The p.H745Q variant (also known as c.2235C>A), located in coding exon 14 of the RECQL4 gene, results from a C to A substitution at nucleotide position 2235. The histidine at codon 745 is replaced by glutamine, an amino acid with highly similar properties. This amino acid position is conserved. In addition, this alteration is predicted to be deleterious by in silico analysis. Based on the available evidence, the clinical significance of this variant remains unclear.

Labcorp Genetics (formerly Invitae), Labcorp
Classification: Uncertain significance for Baller-Gerold syndrome. Last evaluated: 2024-01-14. Review status: criteria provided, single submitter. Criteria: Invitae Variant Classification Sherloc (09022015). Collection method: clinical testing. Allele origin: germline.
Comment: This sequence change replaces histidine, which is basic and polar, with glutamine, which is neutral and polar, at codon 745 of the RECQL4 protein (p.His745Gln). This variant is not present in population databases (gnomAD no frequency). This variant has not been reported in the literature in individuals affected with RECQL4-related conditions. Advanced modeling of protein sequence and biophysical properties (such as structural, functional, and spatial information, amino acid conservation, physicochemical variation, residue mobility, and thermodynamic stability) performed at Invitae indicates that this missense variant is expected to disrupt RECQL4 protein function with a positive predictive value of 80%. In summary, the available evidence is currently insufficient to determine the role of this variant in disease. Therefore, it has been classified as a Variant of Uncertain Significance.